The following is an entry in ClinVar:

NM_001846.4(COL4A2):c.1453_1469del (p.Cys485fs)

Genes: COL4A2 (collagen type IV alpha 2 chain; plus strand), COL4A2-AS2 (COL4A2 antisense RNA 2; minus strand). Cytogenetic location: 13q34.
Variant type: Deletion.
Coding change: c.1453_1469del on transcript NM_001846.4 (MANE Select); coding-DNA positions 1453 to 1469, 17 bases deleted (TGTACAGAAGGCGACGA).
Protein change: p.Cys485fs; shifts the reading frame from cysteine 485.
Molecular consequence: frameshift variant.
Genome position (GRCh38, 1-based): chr13:110,458,791-110,458,807, TGTACAGAAGGCGACGA deleted; deleting any 17 consecutive bases within chr13:110,458,789-110,458,807 gives the same sequence; the c. name uses the placement nearest the transcript's 3' end. VCF-style (leftmost placement, unchanged base first): chr13-110458788-AGATGTACAGAAGGCGAC-A. GRCh37 (hg19) VCF-style: chr13-111111135-AGATGTACAGAAGGCGAC-A.
Other names: short protein forms C485fs.
Identifiers: ClinVar variation 1805255 (VCV001805255.1), dbSNP rs2502112972, ClinGen allele CA2573050783.

ClinVar aggregate classification (germline): Uncertain significance (1 of 4 stars; one submission).

Conditions:
Brain small vessel disease 2A, autosomal dominant. Also called: Porencephaly 2. Identifiers: Orphanet 2940, Orphanet 99810, MedGen C3280970, MONDO:0013773, OMIM 614483.

Submission:

Victorian Clinical Genetics Services, Murdoch Childrens Research Institute
Classification: Uncertain significance for Brain small vessel disease 2A, autosomal dominant. Last evaluated: 2022-02-02. Review status: criteria provided, single submitter. Criteria: ACMG Guidelines, 2015. Collection method: clinical testing. Allele origin: germline. Inheritance: Autosomal dominant inheritance. Affected: yes.
Comment: Based on the classification scheme VCGS_Germline_v1.3.4, this variant is classified as VUS-3A. Following criteria are met: 0105 - The mechanism of disease for this gene is not clearly established. There are only a few reports and functional studies, however the mechanism may resemble that of the COL4A1 gene, which is both loss-of-function and dominant negative (Gly substitutions of the G-X-Y motif) (PMIDs: 22209246, 22209247, 24001601). (I) 0107 - This gene is associated with autosomal dominant disease. (I) 0112 - The condition associated with this gene has incomplete penetrance (PMID: 27794444). (I) 0115 - Variants in this gene are known to have variable expressivity. Variable disease severity has been reported among family members with the same variant (PMID: 22333902). (I) 0201 - Variant is predicted to cause nonsense-mediated decay (NMD) and loss of protein (premature termination codon is located at least 54 nucleotides upstream of the final exon-exon junction). (SP) 0251 - This variant is heterozygous. (I) 0301 - Variant is absent from gnomAD (both v2 and v3). (SP) 0708 - Other premature termination variants comparable to the one identified in this case have conflicting previous evidence for pathogenicity. Several NMD-predicted variants have been reported in individuals with neuropathy, porencephaly and minimal-small vessel disease (PMIDs: 31069529, 32732225, 30859180), and also in an asymptomatic mother with ocular anomalies (her sons have porencephaly, PMID: 22333902, 12 heterozygotes in gnomADv2). Other comparable variants have also been reported as likely pathogenic and uncertain significance in ClinVar. (I) 0807 - This variant has no previous evidence of pathogenicity. (I) 0905 - No published segregation evidence has been identified for this variant. (I) 1007 - No published functional evidence has been identified for this variant. (I) 1208 - Inheritance information for this variant is not currently available in this individual. (I) Legend: (SP) - Supporting pathogenic, (I) - Information, (SB) - Supporting benign

Literature cited by the submitters: PubMed 22209246; PubMed 22209247; PubMed 22333902; PubMed 24001601; PubMed 27794444; PubMed 30859180; PubMed 31069529; PubMed 32732225.